The following is an entry in ClinVar:

ClinVar aggregate classification (germline): Uncertain significance. Review status: criteria provided, multiple submitters, no conflicts (2 of 4 stars). 2 submissions from 2 submitters: Uncertain significance (2). Last evaluated 2024-04-25.

Conditions:
Hereditary breast ovarian cancer syndrome. Also called: Hereditary breast and ovarian cancer syndrome; Breast and ovarian cancer; Hereditary breast and ovarian cancer; Hereditary breast and/or ovarian cancer syndrome; Hereditary breast and ovarian cancer syndrome (HBOC); BRCA1- and BRCA2-Associated Hereditary Breast and Ovarian Cancer. Identifiers: Orphanet 145, MedGen C0677776, MeSH D061325, MONDO:0003582. Disease mechanism: loss of function.

Submissions (2):

Labcorp Genetics (formerly Invitae), Labcorp
Classification: Uncertain significance for Hereditary breast ovarian cancer syndrome. Last evaluated: 2024-04-25. Review status: criteria provided, single submitter. Criteria: Invitae Variant Classification Sherloc (09022015). Collection method: clinical testing. Allele origin: germline.
Comment: This sequence change replaces arginine, which is basic and polar, with glycine, which is neutral and non-polar, at codon 2824 of the BRCA2 protein (p.Arg2824Gly). This variant is not present in population databases (gnomAD no frequency). This variant has not been reported in the literature in individuals affected with BRCA2-related conditions. Advanced modeling of protein sequence and biophysical properties (such as structural, functional, and spatial information, amino acid conservation, physicochemical variation, residue mobility, and thermodynamic stability) performed at Invitae indicates that this missense variant is not expected to disrupt BRCA2 protein function with a negative predictive value of 95%. Experimental studies have shown that this missense change affects BRCA2 function (PMID: 29884841). In summary, the available evidence is currently insufficient to determine the role of this variant in disease. Therefore, it has been classified as a Variant of Uncertain Significance.

Quest Diagnostics Nichols Institute San Juan Capistrano
Classification: Uncertain significance. Last evaluated: 2024-04-12. Review status: criteria provided, single submitter. Criteria: Quest Diagnostics criteria. Collection method: clinical testing. Allele origin: unknown.
Comment: The BRCA2 c.8470A>G (p.Arg2824Gly) variant has been reported in the published literature with functional evidence suggesting that this variant may impact protein function (PMID: 29884841 (2019)). This variant has not been reported in large, multi-ethnic general populations (Genome Aggregation Database). Analysis of this variant using bioinformatics tools for the prediction of the effect of amino acid changes on protein structure and function yielded predictions that this variant is damaging. Based on the available information, we are unable to determine the clinical significance of this variant.

Literature cited by the submitters: PubMed 29884841 (cited by Labcorp Genetics (formerly Invitae), Labcorp and Quest Diagnostics Nichols Institute San Juan Capistrano); PubMed 35665744 (cited by Quest Diagnostics Nichols Institute San Juan Capistrano).

NM_000059.4(BRCA2):c.8470A>G (p.Arg2824Gly)

Gene: BRCA2 (BRCA2 DNA repair associated; plus strand). Cytogenetic location: 13q13.1.
Variant type: single nucleotide variant.
Coding change: c.8470A>G on transcript NM_000059.4 (MANE Select); coding-DNA position 8470, A replaced by G.
Protein change: p.Arg2824Gly; replaces arginine 2824 with glycine.
Molecular consequence: missense variant. On other transcripts: non-coding transcript variant (1).
Genome position (GRCh38, 1-based): chr13:32,370,540, A>G. VCF-style: chr13-32370540-A-G. GRCh37 (hg19) VCF-style: chr13-32944677-A-G.
Other names: c.8374A>G, p.Arg2792Gly (NM_001406719.1); c.8470A>G, p.Arg2824Gly (NM_001406720.1, NM_001432077.1); c.3538A>G, p.Arg1180Gly (NM_001406721.1); c.2053A>G, p.Arg685Gly (NM_001406722.1); short protein forms R2824G, R685G, R1180G, R2792G.
Identifiers: ClinVar variation 3572369 (VCV003572369.3).